The following is an entry in ClinVar:

NM_005259.3(MSTN):c.466C>A (p.Leu156Ile)

Genes: C2orf88 (chromosome 2 open reading frame 88; plus strand), MSTN (myostatin; minus strand). Cytogenetic location: 2q32.2.
Variant type: single nucleotide variant.
Coding change: c.466C>A on transcript NM_005259.3 (MANE Select); coding-DNA position 466, C replaced by A.
Protein change: p.Leu156Ile; replaces leucine 156 with isoleucine.
Molecular consequence: missense variant.
Genome position (GRCh38, 1-based): chr2:190,060,343, G>T on the plus strand (C>A on the coding strand, the complement: MSTN is on the minus strand). VCF-style: chr2-190060343-G-T. GRCh37 (hg19) VCF-style: chr2-190925069-G-T.
Other names: c.466C>A (LRG_200t1); short protein forms L156I.
Identifiers: ClinVar variation 333239 (VCV000333239.5), dbSNP rs35493945, ClinGen allele CA2027131.

ClinVar aggregate classification (germline): Likely benign (1 of 4 stars; one submission).

Conditions:
Myostatin-related muscle hypertrophy (MSLHP). Also called: MUSCLE HYPERTROPHY. Identifiers: Orphanet 275534, MedGen C2931112, MONDO:0013598, OMIM 614160.

Allele frequency attached by ClinVar (database versions not stated): ExAC 0.00004; TOPMed 0.00004; 1000 Genomes Project 30x 0.00047; 1000 Genomes Project 0.00060.
gnomAD v4.1: 286 of 1,612,472 alleles (0.018%); highest among the groups gnomAD compares: East Asian, 0.64%; no homozygotes.

Submission:

Illumina Laboratory Services, Illumina
Classification: Likely benign for Myostatin-related muscle hypertrophy. Last evaluated: 2018-01-12. Review status: criteria provided, single submitter. Criteria: ICSL Variant Classification Criteria 13 December 2019. Collection method: clinical testing. Allele origin: germline.
Comment: This variant was observed in the ICSL laboratory as part of a predisposition screen in an ostensibly healthy population. It had not been previously curated by ICSL or reported in the Human Gene Mutation Database (HGMD: prior to June 1st, 2018), and was therefore a candidate for classification through an automated scoring system. Utilizing variant allele frequency, disease prevalence and penetrance estimates, and inheritance mode, an automated score was calculated to assess if this variant is too frequent to cause the disease. Based on the score and internal cut-off values, a variant classified as likely benign is not then subjected to further curation. The score for this variant resulted in a classification of likely benign for this disease.